The following is an entry in ClinVar:

ClinVar aggregate classification (germline): Pathogenic/Likely pathogenic. Review status: criteria provided, multiple submitters, no conflicts (2 of 4 stars). 2 submissions from 2 submitters: Pathogenic (1); Likely pathogenic (1). Last evaluated 2025-01-27.

Conditions:
Duchenne muscular dystrophy (DMD). Also called: Duchenne Muscular Dystrophy (DMD); MUSCULAR DYSTROPHY, PSEUDOHYPERTROPHIC PROGRESSIVE, DUCHENNE TYPE. Identifiers: Orphanet 98896, MedGen C0013264, MONDO:0010679, OMIM 310200.

Submissions (2):

Labcorp Genetics (formerly Invitae), Labcorp
Classification: Pathogenic for Duchenne muscular dystrophy. Last evaluated: 2025-01-27. Review status: criteria provided, single submitter. Criteria: Invitae Variant Classification Sherloc (09022015). Collection method: clinical testing. Allele origin: germline.
Comment: This sequence change creates a premature translational stop signal (p.Arg822Thrfs*2) in the DMD gene. It is expected to result in an absent or disrupted protein product. Loss-of-function variants in DMD are known to be pathogenic (PMID: 16770791, 25007885). This variant is not present in population databases (gnomAD no frequency). This variant has not been reported in the literature in individuals affected with DMD-related conditions. For these reasons, this variant has been classified as Pathogenic.

Mendelics
Classification: Likely pathogenic for Duchenne muscular dystrophy. Last evaluated: 2019-05-28. Review status: criteria provided, single submitter. Criteria: Mendelics Assertion Criteria 2017. Collection method: clinical testing. Allele origin: unknown.

Literature cited by the submitters: PubMed 16770791 (cited by Labcorp Genetics (formerly Invitae), Labcorp); PubMed 25007885 (cited by Labcorp Genetics (formerly Invitae), Labcorp).

NM_004006.3(DMD):c.2465_2466del (p.Arg822fs)

Gene: DMD (dystrophin; minus strand). Cytogenetic location: Xp21.1.
Variant type: Microsatellite.
Coding change: c.2465_2466del on transcript NM_004006.3 (MANE Select); coding-DNA positions 2465 to 2466, 2 bases deleted (GA; older notation c.2465_2466delGA).
Protein change: p.Arg822fs; shifts the reading frame from arginine 822.
Molecular consequence: frameshift variant.
Genome position (GRCh38, 1-based): chrX:32,491,433-32,491,434, TC deleted on the plus strand (GA on the coding strand, the reverse complement: DMD is on the minus strand); deleting any 2 consecutive bases within chrX:32,491,433-32,491,438 gives the same sequence; the c. name uses the placement nearest the transcript's 3' end. VCF-style (leftmost placement, unchanged base first): chrX-32491432-GTC-G. GRCh37 (hg19) VCF-style: chrX-32509549-GTC-G.
Other names: c.2441_2442del, p.Arg814fs (NM_000109.4); c.2453_2454del, p.Arg818fs (NM_004009.3); c.2096_2097del, p.Arg699fs (NM_004010.3); short protein forms R818fs, R822fs, R699fs, R814fs.
Identifiers: ClinVar variation 803911 (VCV000803911.7), dbSNP rs1603634744, ClinGen allele CA915950910.
Genomic context (GRCh38, chrX:32,491,432, plus strand): 5'-CCAATTGTTGTAGCTGATTATAGAAAGCGATGATGTTGTTCTGATACTCCAGCCAGTTAA[GTC>G]TCTCACTTAGCAACTGGCAGAATTCGATCCACCGGCTGTTCAGTTGTTCTGAGGCTTGTT-3'